The following is an entry in ClinVar:

ClinVar aggregate classification (germline): Benign. Review status: criteria provided, multiple submitters, no conflicts (2 of 4 stars). 9 submissions from 9 submitters: Benign (6). 3 of the submissions do not count toward it. Last evaluated 2026-05-11.

Conditions:
Brachydactyly type A1. Also called: FARABEE-TYPE BRACHYDACTYLY; SHORT STATURE WITH NONSPECIFIC SKELETAL ABNORMALITIES 2. Identifiers: Orphanet 93388, MedGen C1862151, MONDO:0007215, OMIM 112500, HP:0009371.
IHH-related disorder. Also called: IHH-related condition.

Allele frequency attached by ClinVar (database versions not stated): ESP Exome Variant Server 0.00038; gnomAD 0.00163 and 0.00229; TOPMed 0.00220; gnomAD exomes 0.00486; ExAC 0.00493; 1000 Genomes Project 30x 0.01015; 1000 Genomes Project 0.01178.
gnomAD v4.1: 3,576 of 1,611,814 alleles (0.22%); highest among the groups gnomAD compares: East Asian, 6%; 85 homozygotes.

Submissions (9):

Women's Health and Genetics/Laboratory Corporation of America, LabCorp
Classification: Benign. Last evaluated: 2026-05-11. Review status: criteria provided, single submitter. Criteria: LabCorp Variant Classification Summary - May 2015. Collection method: clinical testing. Allele origin: germline.

Labcorp Genetics (formerly Invitae), Labcorp
Classification: Benign. Last evaluated: 2026-01-18. Review status: criteria provided, single submitter. Criteria: Invitae Variant Classification Sherloc (09022015). Collection method: clinical testing. Allele origin: germline.

GeneDx
Classification: Benign. Last evaluated: 2019-12-06. Review status: criteria provided, single submitter. Criteria: GeneDx Variant Classification Process June 2021. Collection method: clinical testing. Allele origin: germline. Affected: yes.

Illumina Laboratory Services, Illumina
Classification: Benign for Brachydactyly type A1. Last evaluated: 2018-01-13. Review status: criteria provided, single submitter. Criteria: ICSL Variant Classification Criteria 13 December 2019. Collection method: clinical testing. Allele origin: germline.
Comment: This variant was observed in the ICSL laboratory as part of a predisposition screen in an ostensibly healthy population. It had not been previously curated by ICSL or reported in the Human Gene Mutation Database (HGMD: prior to June 1st, 2018), and was therefore a candidate for classification through an automated scoring system. Utilizing variant allele frequency, disease prevalence and penetrance estimates, and inheritance mode, an automated score was calculated to assess if this variant is too frequent to cause the disease. Based on the score and internal cut-off values, a variant classified as benign is not then subjected to further curation. The score for this variant resulted in a classification of benign for this disease.

Eurofins Ntd Llc (ga)
Classification: Benign. Last evaluated: 2015-12-09. Review status: criteria provided, single submitter. Criteria: EGL Classification Definitions 2015. Collection method: clinical testing. Allele origin: germline. Observed: 1 variant allele, 1 heterozygote.

Breakthrough Genomics
Classification: Benign. Review status: criteria provided, single submitter. Criteria: ACMG Guidelines, 2015. Collection method: not provided. Allele origin: germline. Inheritance: Autosomal recessive inheritance. Affected: yes.

PreventionGenetics, part of Exact Sciences
Classification: Benign for IHH-related condition. Last evaluated: 2019-03-07. Review status: no assertion criteria provided. Collection method: clinical testing. Allele origin: germline. Not counted in ClinVar's aggregate classification.
Comment: This variant is classified as benign based on ACMG/AMP sequence variant interpretation guidelines (Richards et al. 2015 PMID: 25741868, with internal and published modifications).

Clinical Genetics DNA and cytogenetics Diagnostics Lab, Erasmus MC, Erasmus Medical Center
Classification: Benign. Review status: no assertion criteria provided. Collection method: clinical testing. Allele origin: germline. Affected: yes. Study: VKGL Data-share Consensus. Not counted in ClinVar's aggregate classification.

Laboratory of Diagnostic Genome Analysis, Leiden University Medical Center (LUMC)
Classification: Likely benign. Review status: no assertion criteria provided. Collection method: clinical testing. Allele origin: germline. Affected: yes. Study: VKGL Data-share Consensus. Not counted in ClinVar's aggregate classification.

NM_002181.4(IHH):c.618C>T (p.Ala206=)

Gene: IHH (Indian hedgehog signaling molecule; minus strand). Cytogenetic location: 2q35.
Variant type: single nucleotide variant.
Coding change: c.618C>T on transcript NM_002181.4 (MANE Select); coding-DNA position 618, C replaced by T.
Protein change: p.Ala206=; no amino-acid change (alanine 206 retained).
Molecular consequence: synonymous variant.
Genome position (GRCh38, 1-based): chr2:219,055,825, G>A on the plus strand (C>T on the coding strand, the complement: IHH is on the minus strand). VCF-style: chr2-219055825-G-A. GRCh37 (hg19) VCF-style: chr2-219920547-G-A.
Identifiers: ClinVar variation 285084 (VCV000285084.26), dbSNP rs3731879, ClinGen allele CA2116655.